The following is an entry in ClinVar:

NM_024642.5(GALNT12):c.1415_1416dup (p.Gln473fs)

Gene: GALNT12 (polypeptide N-acetylgalactosaminyltransferase 12; plus strand). Cytogenetic location: 9q22.33.
Variant type: Microsatellite.
Coding change: c.1415_1416dup on transcript NM_024642.5 (MANE Select); coding-DNA positions 1415 to 1416, 2 bases duplicated (AC; older notation c.1415_1416dupAC).
Protein change: p.Gln473fs; shifts the reading frame from glutamine 473.
Molecular consequence: frameshift variant.
Genome position (GRCh38, 1-based): chr9:98,844,166-98,844,167, AC duplicated; duplicating any 2 consecutive bases within chr9:98,844,164-98,844,167 gives the same sequence; the c. name uses the placement nearest the transcript's 3' end. VCF-style (leftmost placement, unchanged base first): chr9-98844163-G-GAC. GRCh37 (hg19) VCF-style: chr9-101606445-G-GAC.
Other names: short protein forms Q473fs.
Identifiers: ClinVar variation 1371148 (VCV001371148.6), dbSNP rs2118494161, ClinGen allele CA2580616325.

ClinVar aggregate classification (germline): Uncertain significance (1 of 4 stars; one submission).

Submission:

Labcorp Genetics (formerly Invitae), Labcorp
Classification: Uncertain significance. Last evaluated: 2021-02-11. Review status: criteria provided, single submitter. Criteria: Invitae Variant Classification Sherloc (09022015). Collection method: clinical testing. Allele origin: germline.
Comment: This variant has not been reported in the literature in individuals with GALNT12-related conditions. In summary, the available evidence is currently insufficient to determine the role of this variant in disease. Therefore, it has been classified as a Variant of Uncertain Significance. Experimental studies and prediction algorithms are not available or were not evaluated, and the functional significance of this variant is currently unknown. This variant is not present in population databases (ExAC no frequency). This sequence change results in a frameshift in the GALNT12 gene (p.Gln473Thrfs*137). While this is not anticipated to result in nonsense mediated decay, it is expected to disrupt the last 109 amino acid(s) of the GALNT12 protein and extend the protein by 27 additional amino acid residues.